The following is an entry in ClinVar:

NM_015057.5(MYCBP2):c.11588G>A (p.Arg3863Lys)

Genes: MYCBP2 (MYC binding protein 2; minus strand), MYCBP2-AS1 (MYCBP2 antisense RNA 1; plus strand). Cytogenetic location: 13q22.3.
Variant type: single nucleotide variant.
Coding change: c.11588G>A on transcript NM_015057.5 (MANE Select); coding-DNA position 11588, G replaced by A.
Protein change: p.Arg3863Lys; replaces arginine 3863 with lysine.
Molecular consequence: missense variant.
Genome position (GRCh38, 1-based): chr13:77,077,284, C>T on the plus strand (G>A on the coding strand, the complement: MYCBP2 is on the minus strand). VCF-style: chr13-77077284-C-T. GRCh37 (hg19) VCF-style: chr13-77651419-C-T.
Other names: short protein forms R3863K.
Identifiers: ClinVar variation 3731268 (VCV003731268.1).

ClinVar aggregate classification (germline): Uncertain significance (1 of 4 stars; one submission).

Submission:

GeneDx
Classification: Uncertain significance. Last evaluated: 2024-08-16. Review status: criteria provided, single submitter. Criteria: GeneDx Variant Classification Process June 2021. Collection method: clinical testing. Allele origin: germline. Affected: yes.
Comment: Not observed at significant frequency in large population cohorts (gnomAD); In silico analysis indicates that this missense variant does not alter protein structure/function; Has not been previously published as pathogenic or benign to our knowledge